The following is an entry in ClinVar:

ClinVar aggregate classification (germline): Uncertain significance. Review status: criteria provided, multiple submitters, no conflicts (2 of 4 stars). 5 submissions from 5 submitters: Uncertain significance (5). Last evaluated 2026-03-18.

Conditions:
Inborn genetic diseases. Identifiers: MedGen C0950123, MeSH D030342.

Allele frequency attached by ClinVar (database versions not stated): gnomAD exomes 0.00005; 1000 Genomes Project 30x 0.00031; gnomAD 0.00031 and 0.00033; 1000 Genomes Project 0.00040; TOPMed 0.00074.
gnomAD v4.1: 91 of 1,614,046 alleles (0.0056%); highest among the groups gnomAD compares: Admixed American, 0.12%; 1 homozygote.

Submissions (5):

GeneDx
Classification: Uncertain significance. Last evaluated: 2026-03-18. Review status: criteria provided, single submitter. Criteria: GeneDx Variant Classification Process June 2021. Collection method: clinical testing. Allele origin: germline.
Comment: In silico analysis suggests that this missense variant does not alter protein structure/function; Has not been previously published as pathogenic or benign to our knowledge

Ambry Genetics
Classification: Uncertain significance for Inborn genetic diseases. Last evaluated: 2024-09-20. Review status: criteria provided, single submitter. Criteria: Ambry Variant Classification Scheme 2023. Collection method: clinical testing. Allele origin: germline.

Blueprint Genetics
Classification: Uncertain significance. Last evaluated: 2023-09-14. Review status: criteria provided, single submitter. Criteria: ACMG Guidelines, 2015. Collection method: clinical testing. Allele origin: germline.

Labcorp Genetics (formerly Invitae), Labcorp
Classification: Uncertain significance. Last evaluated: 2021-08-27. Review status: criteria provided, single submitter. Criteria: Invitae Variant Classification Sherloc (09022015). Collection method: clinical testing. Allele origin: germline.
Comment: This sequence change replaces threonine with serine at codon 369 of the RDX protein (p.Thr369Ser). The threonine residue is moderately conserved and there is a small physicochemical difference between threonine and serine. This variant is present in population databases (rs201399984, ExAC 0.03%). This variant has not been reported in the literature in individuals affected with RDX-related conditions. ClinVar contains an entry for this variant (Variation ID: 667320). Algorithms developed to predict the effect of missense changes on protein structure and function (SIFT, PolyPhen-2, Align-GVGD) all suggest that this variant is likely to be tolerated. In summary, the available evidence is currently insufficient to determine the role of this variant in disease. Therefore, it has been classified as a Variant of Uncertain Significance.

Laboratory for Molecular Medicine, Mass General Brigham Personalized Medicine
Classification: Uncertain significance. Last evaluated: 2018-07-27. Review status: criteria provided, single submitter. Criteria: LMM Criteria. Collection method: clinical testing. Allele origin: germline. Observed: 1 variant allele.
Comment: The p.Thr369Ser variant in RDX has not been previously reported in individuals w ith hearing loss but has been identified in 7/34418 Latino chromosomes by the Ge nome Aggregation Database (gnomAD). Computatio nal prediction tools and conservation analysis do not provide strong support for or against an impact to the protein. In summary, the clinical significance of t he p.Thr369Ser variant is uncertain. ACMG/AMP Criteria applied: PM2_Supporting.

NM_002906.4(RDX):c.1106C>G (p.Thr369Ser)

Gene: RDX (radixin; minus strand). Cytogenetic location: 11q22.3.
Variant type: single nucleotide variant.
Coding change: c.1106C>G on transcript NM_002906.4 (MANE Select); coding-DNA position 1106, C replaced by G.
Protein change: p.Thr369Ser; replaces threonine 369 with serine.
Molecular consequence: missense variant. On other transcripts: intron variant (1).
Genome position (GRCh38, 1-based): chr11:110,237,637, G>C on the plus strand (C>G on the coding strand, the complement: RDX is on the minus strand). VCF-style: chr11-110237637-G-C. GRCh37 (hg19) VCF-style: chr11-110108362-G-C.
Other names: c.1106C>G, p.Thr369Ser (NM_001260492.2, NM_001260493.2); c.698C>G, p.Thr233Ser (NM_001260494.2); c.65C>G, p.Thr22Ser (NM_001260495.2); c.405-5633C>G (NM_001260496.2); short protein forms T369S, T233S, T22S.
Identifiers: ClinVar variation 667320 (VCV000667320.13), dbSNP rs201399984, ClinGen allele CA6270089.